The following is an entry in ClinVar:

NM_000286.3(PEX12):c.541dup (p.Tyr181fs)

Gene: PEX12 (peroxisomal biogenesis factor 12; minus strand). Cytogenetic location: 17q12.
Variant type: Duplication.
Coding change: c.541dup on transcript NM_000286.3 (MANE Select); coding-DNA position 541, one base duplicated (T; older notation c.541dupT).
Protein change: p.Tyr181fs; shifts the reading frame from tyrosine 181.
Molecular consequence: frameshift variant.
Genome position (GRCh38, 1-based): chr17:35,577,177, A duplicated on the plus strand (T on the coding strand, the reverse complement: PEX12 is on the minus strand). VCF-style (leftmost placement, unchanged base first): chr17-35577176-T-TA. GRCh37 (hg19) VCF-style: chr17-33904195-T-TA.
Other names: short protein forms Y181fs.
Identifiers: ClinVar variation 2201009 (VCV002201009.5), dbSNP rs61752104, ClinGen allele CA8504893.
Genomic context (GRCh38, chr17:35,577,176, plus strand): 5'-CCTAGCTGAACTCCAGCCAGCCTCAGCAGTGGTGAGTGATGCTGAGCTTTTCCTAGGATG[T>TA]ATCGAAGTTGTTGTACAAGAAACCATCCTTCCCAGGCCATGTTCACAAATGGGTAGGCTG-3'

ClinVar aggregate classification (germline): Pathogenic/Likely pathogenic. Review status: criteria provided, multiple submitters, no conflicts (2 of 4 stars). 2 submissions from 2 submitters: Pathogenic (1); Likely pathogenic (1). Last evaluated 2024-02-16.

Conditions:
Peroxisome biogenesis disorder 3A (Zellweger). Also called: PEROXISOMAL BIOGENESIS DISORDER 3A (ZELLWEGER); Peroxisome biogenesis disorder 3A. Identifiers: Orphanet 912, MedGen C3553929, MONDO:0013927, OMIM 614859.
PEX12-related disorder. Also called: PEX12-related disorders; PEX12-related condition.

Allele frequency attached by ClinVar (database versions not stated): gnomAD 0.00001; TOPMed 0.00001; ExAC 0.00002; gnomAD exomes 0.00002.

Submissions (2):

Labcorp Genetics (formerly Invitae), Labcorp
Classification: Pathogenic for Peroxisome biogenesis disorder 3A (Zellweger). Last evaluated: 2024-02-16. Review status: criteria provided, single submitter. Criteria: Invitae Variant Classification Sherloc (09022015). Collection method: clinical testing. Allele origin: germline.
Comment: This sequence change creates a premature translational stop signal (p.Tyr181Leufs*37) in the PEX12 gene. While this is not anticipated to result in nonsense mediated decay, it is expected to disrupt the last 179 amino acid(s) of the PEX12 protein. This variant is present in population databases (rs61752104, gnomAD 0.004%). This premature translational stop signal has been observed in individual(s) with Zellweger syndrome (PMID: 19105186). This variant is also known as 542insT (Y181fs). ClinVar contains an entry for this variant (Variation ID: 2201009). This variant disrupts a region of the PEX12 protein in which other variant(s) (p.Gln349del) have been determined to be pathogenic (PMID: 15542397, 21031596, 33123925). This suggests that this is a clinically significant region of the protein, and that variants that disrupt it are likely to be disease-causing. For these reasons, this variant has been classified as Pathogenic.

Blueprint Genetics
Classification: Likely pathogenic for PEX12-related disorders. Last evaluated: 2020-04-01. Review status: criteria provided, single submitter. Criteria: ACMG Guidelines, 2015. Collection method: clinical testing. Allele origin: germline. Affected: yes. Observed: 1 variant allele.

Literature cited by the submitters: PubMed 19105186 (cited by Labcorp Genetics (formerly Invitae), Labcorp); PubMed 15542397 (cited by Labcorp Genetics (formerly Invitae), Labcorp); PubMed 21031596 (cited by Labcorp Genetics (formerly Invitae), Labcorp); PubMed 33123925 (cited by Labcorp Genetics (formerly Invitae), Labcorp).